The following is an entry in ClinVar:

NM_032656.4(DHX37):c.760A>T (p.Ile254Phe)

Gene: DHX37 (DEAH-box helicase 37; minus strand). Cytogenetic location: 12q24.31.
Variant type: single nucleotide variant.
Coding change: c.760A>T on transcript NM_032656.4 (MANE Select); coding-DNA position 760, A replaced by T.
Protein change: p.Ile254Phe; replaces isoleucine 254 with phenylalanine.
Molecular consequence: missense variant.
Genome position (GRCh38, 1-based): chr12:124,977,469, T>A on the plus strand (A>T on the coding strand, the complement: DHX37 is on the minus strand). VCF-style: chr12-124977469-T-A. GRCh37 (hg19) VCF-style: chr12-125462015-T-A.
Other names: short protein forms I254F.
Identifiers: ClinVar variation 4740928 (VCV004740928.1).

ClinVar aggregate classification (germline): Uncertain significance (1 of 4 stars; one submission).

Submission:

Labcorp Genetics (formerly Invitae), Labcorp
Classification: Uncertain significance. Last evaluated: 2025-08-23. Review status: criteria provided, single submitter. Criteria: Invitae Variant Classification Sherloc (09022015). Collection method: clinical testing. Allele origin: germline.
Comment: This sequence change replaces isoleucine, which is neutral and non-polar, with phenylalanine, which is neutral and non-polar, at codon 254 of the DHX37 protein (p.Ile254Phe). This variant is not present in population databases (gnomAD no frequency). This variant has not been reported in the literature in individuals affected with DHX37-related conditions. Invitae Evidence Modeling of protein sequence and biophysical properties (such as structural, functional, and spatial information, amino acid conservation, physicochemical variation, residue mobility, and thermodynamic stability) indicates that this missense variant is expected to disrupt DHX37 protein function with a positive predictive value of 80%. In summary, the available evidence is currently insufficient to determine the role of this variant in disease. Therefore, it has been classified as a Variant of Uncertain Significance.